The following is an entry in ClinVar:

NM_000465.4(BARD1):c.2224T>G (p.Leu742Val)

Gene: BARD1 (BRCA1 associated RING domain 1; minus strand). Cytogenetic location: 2q35.
Variant type: single nucleotide variant.
Coding change: c.2224T>G on transcript NM_000465.4 (MANE Select); coding-DNA position 2224, T replaced by G.
Protein change: p.Leu742Val; replaces leucine 742 with valine.
Molecular consequence: missense variant. On other transcripts: non-coding transcript variant (3).
Genome position (GRCh38, 1-based): chr2:214,728,786, A>C on the plus strand (T>G on the coding strand, the complement: BARD1 is on the minus strand). VCF-style: chr2-214728786-A-C. GRCh37 (hg19) VCF-style: chr2-215593510-A-C.
Other names: c.2167T>G, p.Leu723Val (NM_001282543.2); c.871T>G, p.Leu291Val (NM_001282545.2); c.814T>G, p.Leu272Val (NM_001282548.2); c.685T>G, p.Leu229Val (NM_001282549.2); c.2224T>G (NM_000465.2); short protein forms L229V, L272V, L291V, L723V, L742V.
Identifiers: ClinVar variation 834349 (VCV000834349.11), dbSNP rs876659765, ClinGen allele CA350450112.

ClinVar aggregate classification (germline): Conflicting classifications of pathogenicity. Review status: criteria provided, conflicting classifications (1 of 4 stars). 2 submissions from 2 submitters: Uncertain significance (1); Likely benign (1). Last evaluated 2025-06-24.

Conditions:
Familial cancer of breast. Also called: hereditary breast carcinoma; BREAST CANCER, FAMILIAL; Hereditary breast cancer. Identifiers: Orphanet 227535, MedGen C0346153, MONDO:0016419, OMIM 114480. Disease mechanism: loss of function.
Hereditary cancer-predisposing syndrome. Also called: Hereditary neoplastic syndrome; Neoplastic Syndromes, Hereditary; Tumor predisposition; Hereditary Cancer Syndrome. Identifiers: Orphanet 140162, MedGen C0027672, MeSH D009386, MONDO:0015356.

Submissions (2):

Ambry Genetics
Classification: Likely benign for Hereditary cancer-predisposing syndrome. Last evaluated: 2025-06-24. Review status: criteria provided, single submitter. Criteria: Ambry Variant Classification Scheme 2023. Collection method: clinical testing. Allele origin: germline.

Labcorp Genetics (formerly Invitae), Labcorp
Classification: Uncertain significance for Familial cancer of breast. Last evaluated: 2023-08-30. Review status: criteria provided, single submitter. Criteria: Invitae Variant Classification Sherloc (09022015). Collection method: clinical testing. Allele origin: germline.
Comment: This sequence change replaces leucine, which is neutral and non-polar, with valine, which is neutral and non-polar, at codon 742 of the BARD1 protein (p.Leu742Val). This variant is not present in population databases (gnomAD no frequency). This variant has not been reported in the literature in individuals affected with BARD1-related conditions. ClinVar contains an entry for this variant (Variation ID: 834349). Algorithms developed to predict the effect of missense changes on protein structure and function output the following: SIFT: "Not Available"; PolyPhen-2: "Benign"; Align-GVGD: "Not Available". The valine amino acid residue is found in multiple mammalian species, which suggests that this missense change does not adversely affect protein function. In summary, the available evidence is currently insufficient to determine the role of this variant in disease. Therefore, it has been classified as a Variant of Uncertain Significance.